The following is an entry in ClinVar:

ClinVar aggregate classification (germline): Conflicting classifications of pathogenicity. Review status: criteria provided, conflicting classifications (1 of 4 stars). 5 submissions from 5 submitters: Pathogenic (1); Likely pathogenic (1); Uncertain significance (1). 2 of the submissions do not count toward it. Last evaluated 2024-05-05.

Conditions:
IQSEC2-related disorder. Also called: IQSEC2-related condition.
Intellectual developmental disorder, X-linked 1. Also called: Intellectual disability, X-linked 1; Atkin Flaitz Patil Smith syndrome; MENTAL RETARDATION, X-LINKED 18; MENTAL RETARDATION, X-LINKED 78. Identifiers: Orphanet 777, MedGen C2931498, MONDO:0010656, OMIM 309530.

Submissions (5):

Labcorp Genetics (formerly Invitae), Labcorp
Classification: Uncertain significance for Intellectual developmental disorder, X-linked 1. Last evaluated: 2024-05-05. Review status: criteria provided, single submitter. Criteria: Invitae Variant Classification Sherloc (09022015). Collection method: clinical testing. Allele origin: germline.
Comment: This sequence change replaces glycine, which is neutral and non-polar, with serine, which is neutral and polar, at codon 760 of the IQSEC2 protein (p.Gly760Ser). This variant is not present in population databases (gnomAD no frequency). This missense change has been observed in individual(s) with intellectual disability (PMID: 30206421). ClinVar contains an entry for this variant (Variation ID: 432260). Advanced modeling of protein sequence and biophysical properties (such as structural, functional, and spatial information, amino acid conservation, physicochemical variation, residue mobility, and thermodynamic stability) performed at Invitae indicates that this missense variant is expected to disrupt IQSEC2 protein function with a positive predictive value of 95%. In summary, the available evidence is currently insufficient to determine the role of this variant in disease. Therefore, it has been classified as a Variant of Uncertain Significance.

Blueprint Genetics
Classification: Likely pathogenic for IQSEC2-related disorders. Last evaluated: 2023-09-04. Review status: criteria provided, single submitter. Criteria: ACMG Guidelines, 2015. Collection method: clinical testing. Allele origin: germline. Affected: yes. Observed: 2 variant alleles.

GeneDx
Classification: Pathogenic. Last evaluated: 2022-11-19. Review status: criteria provided, single submitter. Criteria: GeneDx Variant Classification Process June 2021. Collection method: clinical testing. Allele origin: germline. Affected: yes.
Comment: Not observed at significant frequency in large population cohorts (gnomAD); In silico analysis supports that this missense variant has a deleterious effect on protein structure/function; This variant is associated with the following publications: (PMID: 30328660, 30206421, 33921431)

Genome Diagnostics Laboratory, University Medical Center Utrecht
Classification: Likely pathogenic. Review status: no assertion criteria provided. Collection method: clinical testing. Allele origin: germline. Affected: yes. Study: VKGL Data-share Consensus. Not counted in ClinVar's aggregate classification.

Joint Genome Diagnostic Labs from Nijmegen and Maastricht, Radboudumc and MUMC+
Classification: Likely pathogenic. Review status: no assertion criteria provided. Collection method: clinical testing. Allele origin: germline. Affected: yes. Study: VKGL Data-share Consensus. Not counted in ClinVar's aggregate classification.

Literature cited by the submitters: PubMed 30206421 (cited by Labcorp Genetics (formerly Invitae), Labcorp).

NM_001111125.3(IQSEC2):c.2278G>A (p.Gly760Ser)

Gene: IQSEC2 (IQ motif and Sec7 domain ArfGEF 2; minus strand). Cytogenetic location: Xp11.22.
Variant type: single nucleotide variant.
Coding change: c.2278G>A on transcript NM_001111125.3 (MANE Select); coding-DNA position 2278, G replaced by A.
Protein change: p.Gly760Ser; replaces glycine 760 with serine.
Molecular consequence: missense variant.
Genome position (GRCh38, 1-based): chrX:53,250,298, C>T on the plus strand (G>A on the coding strand, the complement: IQSEC2 is on the minus strand). VCF-style: chrX-53250298-C-T. GRCh37 (hg19) VCF-style: chrX-53279480-C-T.
Other names: c.1663G>A, p.Gly555Ser (NM_015075.2); short protein forms G760S, G555S.
Identifiers: ClinVar variation 432260 (VCV000432260.10), dbSNP rs1556862958, ClinGen allele CA413159554.